The following is an entry in ClinVar:

NM_001458.5(FLNC):c.2847C>G (p.Asp949Glu)

Gene: FLNC (filamin C; plus strand). Cytogenetic location: 7q32.1.
Variant type: single nucleotide variant.
Coding change: c.2847C>G on transcript NM_001458.5 (MANE Select); coding-DNA position 2847, C replaced by G.
Protein change: p.Asp949Glu; replaces aspartic acid 949 with glutamic acid.
Molecular consequence: missense variant.
Genome position (GRCh38, 1-based): chr7:128,843,831, C>G. VCF-style: chr7-128843831-C-G. GRCh37 (hg19) VCF-style: chr7-128483885-C-G.
Other names: c.2847C>G, p.Asp949Glu (NM_001127487.2); short protein forms D949E.
Identifiers: ClinVar variation 1008570 (VCV001008570.9), dbSNP rs1808441944, ClinGen allele CA369193415.
Genomic context (GRCh38, chr7:128,843,831, plus strand): 5'-TCTGACCTACCATTGTACCCAACAGGGCAACATGGCAGTGACAGTGACTTATGGCGGGGA[C>G]CCTGTCCCCAAGAGCCCCTTTGTGGTGAATGTGGCACCCCCGCTGGACCTCAGCAAAATC-3'
Protein context (NP_001449.3, residues 939-959): NMAVTVTYGG[Asp949Glu]PVPKSPFVVN

ClinVar aggregate classification (germline): Uncertain significance (1 of 4 stars; one submission).

Conditions:
Myofibrillar myopathy 5. Also called: FILAMINOPATHY, AUTOSOMAL DOMINANT; Filaminopathy (type). Identifiers: Orphanet 171445, MedGen C1836050, MONDO:0012289, OMIM 609524.
Hypertrophic cardiomyopathy 26. Also called: Cardiomyopathy, familial hypertrophic, 26. Identifiers: Orphanet 75249, MedGen C4310749, MONDO:0014883, OMIM 617047.
Distal myopathy with posterior leg and anterior hand involvement. Also called: WILLIAMS DISTAL MYOPATHY. Identifiers: Orphanet 63273, MedGen C3279722, MONDO:0013550, OMIM 614065.

Submission:

Labcorp Genetics (formerly Invitae), Labcorp
Classification: Uncertain significance for Distal myopathy with posterior leg and anterior hand involvement; Myofibrillar myopathy 5; Hypertrophic cardiomyopathy 26. Last evaluated: 2023-07-07. Review status: criteria provided, single submitter. Criteria: Invitae Variant Classification Sherloc (09022015). Collection method: clinical testing. Allele origin: germline.
Comment: In summary, the available evidence is currently insufficient to determine the role of this variant in disease. Therefore, it has been classified as a Variant of Uncertain Significance. Advanced modeling of protein sequence and biophysical properties (such as structural, functional, and spatial information, amino acid conservation, physicochemical variation, residue mobility, and thermodynamic stability) has been performed at Invitae for this missense variant, however the output from this modeling did not meet the statistical confidence thresholds required to predict the impact of this variant on FLNC protein function. ClinVar contains an entry for this variant (Variation ID: 1008570). This variant has not been reported in the literature in individuals affected with FLNC-related conditions. This variant is not present in population databases (gnomAD no frequency). This sequence change replaces aspartic acid, which is acidic and polar, with glutamic acid, which is acidic and polar, at codon 949 of the FLNC protein (p.Asp949Glu).